The following is an entry in ClinVar:

NM_006852.6(TLK2):c.510C>T (p.Gly170=)

Gene: TLK2 (tousled like kinase 2; plus strand). Cytogenetic location: 17q23.2.
Variant type: single nucleotide variant.
Coding change: c.510C>T on transcript NM_006852.6 (MANE Select); coding-DNA position 510, C replaced by T.
Protein change: p.Gly170=; no amino-acid change (glycine 170 retained).
Molecular consequence: synonymous variant.
Genome position (GRCh38, 1-based): chr17:62,536,316, C>T. VCF-style: chr17-62536316-C-T. GRCh37 (hg19) VCF-style: chr17-60613677-C-T.
Other names: c.510C>T, p.Gly170= (NM_001284333.3, NM_001375270.1, NM_001375271.1); c.414C>T, p.Gly138= (NM_001284363.1, NM_001375272.1, NM_001411074.1); c.63C>T, p.Gly21= (NM_001330418.3, NM_001375273.1); c.552C>T, p.Gly184= (NM_001375269.1).
Identifiers: ClinVar variation 3025595 (VCV003025595.22), dbSNP rs367614358, ClinGen allele CA8694707.

ClinVar aggregate classification (germline): Likely benign (1 of 4 stars; one submission).

Allele frequency attached by ClinVar (database versions not stated): ExAC 0.00001; gnomAD 0.00001; ESP Exome Variant Server 0.00008.
gnomAD v4.1: 18 of 1,612,340 alleles (0.0011%); highest among the groups gnomAD compares: Non-Finnish European, 0.0014%; no homozygotes.

Submission:

CeGaT Center for Human Genetics Tuebingen
Classification: Likely benign. Last evaluated: 2026-03-01. Review status: criteria provided, single submitter. Criteria: CeGaT Center For Human Genetics Tuebingen Variant Classification Criteria Version 2. Collection method: clinical testing. Allele origin: germline. Affected: yes. Observed: 2 variant alleles.
Comment: TLK2: BP4, BP7